The following is an entry in ClinVar:

NM_201384.3(PLEC):c.4657C>T (p.Arg1553Trp)

Gene: PLEC (plectin; minus strand). Cytogenetic location: 8q24.3.
Variant type: single nucleotide variant.
Coding change: c.4657C>T on transcript NM_201384.3 (MANE Select); coding-DNA position 4657, C replaced by T.
Protein change: p.Arg1553Trp; replaces arginine 1553 with tryptophan.
Molecular consequence: missense variant.
Genome position (GRCh38, 1-based): chr8:143,925,272, G>A on the plus strand (C>T on the coding strand, the complement: PLEC is on the minus strand). VCF-style: chr8-143925272-G-A. GRCh37 (hg19) VCF-style: chr8-144999440-G-A.
Other names: c.4738C>T, p.Arg1580Trp (NM_000445.5); c.4615C>T, p.Arg1539Trp (NM_201378.4); c.4591C>T, p.Arg1531Trp (NM_201379.3); c.5068C>T, p.Arg1690Trp (NM_201380.4); c.4561C>T, p.Arg1521Trp (NM_201381.3); c.4657C>T, p.Arg1553Trp (NM_201382.4); c.4669C>T, p.Arg1557Trp (NM_201383.3); short protein forms R1531W, R1580W, R1521W, R1539W, R1690W, R1553W, R1557W.
Identifiers: ClinVar variation 937390 (VCV000937390.16), dbSNP rs781820448, ClinGen allele CA4926591.

ClinVar aggregate classification (germline): Uncertain significance. Review status: criteria provided, multiple submitters, no conflicts (2 of 4 stars). 4 submissions from 4 submitters: Uncertain significance (4). Last evaluated 2025-03-13.

Conditions:
Epidermolysis bullosa simplex 5B, with muscular dystrophy (EBS5B). Also called: EPIDERMOLYSIS BULLOSA SIMPLEX AND LIMB-GIRDLE MUSCULAR DYSTROPHY; Epidermolysis bullosa simplex with muscular dystrophy. Identifiers: Orphanet 257, MedGen C2931072, MONDO:0009181, OMIM 226670.
Epidermolysis bullosa simplex, Ogna type (EBS5A). Also called: Pidermolysis bullosa simplex 5A, Ogna type; EPIDERMOLYSIS BULLOSA SIMPLEX 5A, OGNA TYPE. Identifiers: Orphanet 79401, MedGen C0432317, MONDO:0007555, OMIM 131950.
Epidermolysis bullosa simplex 5C, with pyloric atresia (EBS5C). Also called: Epidermolysis bullosa simplex with pyloric atresia; PLEC-Related Epidermolysis Bullosa with Pyloric Atresia; PLEC1-Related Epidermolysis Bullosa with Pyloric Atresia. Identifiers: Orphanet 158684, MedGen C2677349, MONDO:0012807, OMIM 612138.
Epidermolysis bullosa simplex with nail dystrophy (EBS5D). Identifiers: MedGen C4225309, MONDO:0014661, OMIM 616487.
Autosomal recessive limb-girdle muscular dystrophy type 2Q (LGMDR17). Also called: MUSCULAR DYSTROPHY, LIMB-GIRDLE, AUTOSOMAL RECESSIVE 17. Identifiers: Orphanet 254361, MedGen C3150989, MONDO:0013390, OMIM 613723.
Inborn genetic diseases. Identifiers: MedGen C0950123, MeSH D030342.

Allele frequency attached by ClinVar (database versions not stated): gnomAD 0.00001; TOPMed 0.00002; gnomAD exomes 0.00004; ExAC 0.00007.
gnomAD v4.1: 26 of 1,580,336 alleles (0.0016%); highest among the groups gnomAD compares: East Asian, 0.0069%; no homozygotes.

Submissions (4):

Labcorp Genetics (formerly Invitae), Labcorp
Classification: Uncertain significance for Autosomal recessive limb-girdle muscular dystrophy type 2Q; Epidermolysis bullosa simplex, Ogna type; Epidermolysis bullosa simplex with nail dystrophy; Epidermolysis bullosa simplex 5C, with pyloric atresia; Epidermolysis bullosa simplex 5B, with muscular dystrophy. Last evaluated: 2025-03-13. Review status: criteria provided, single submitter. Criteria: Invitae Variant Classification Sherloc (09022015). Collection method: clinical testing. Allele origin: germline.
Comment: This sequence change replaces arginine, which is basic and polar, with tryptophan, which is neutral and slightly polar, at codon 1580 of the PLEC protein (p.Arg1580Trp). The frequency data for this variant in the population databases is considered unreliable, as metrics indicate poor data quality at this position in the gnomAD database. This variant has not been reported in the literature in individuals affected with PLEC-related conditions. ClinVar contains an entry for this variant (Variation ID: 937390). Experimental studies and prediction algorithms are not available or were not evaluated, and the functional significance of this variant is currently unknown. In summary, the available evidence is currently insufficient to determine the role of this variant in disease. Therefore, it has been classified as a Variant of Uncertain Significance.

Ambry Genetics
Classification: Uncertain significance for Inborn genetic diseases. Last evaluated: 2021-08-25. Review status: criteria provided, single submitter. Criteria: Ambry Variant Classification Scheme 2023. Collection method: clinical testing. Allele origin: germline.

Athena Diagnostics
Classification: Uncertain significance. Last evaluated: 2021-08-10. Review status: criteria provided, single submitter. Criteria: Athena Diagnostics Criteria. Collection method: clinical testing. Allele origin: unknown.

Revvity Omics, Revvity
Classification: Uncertain significance. Last evaluated: 2019-11-08. Review status: criteria provided, single submitter. Criteria: ACMG Guidelines, 2015. Collection method: clinical testing. Allele origin: germline.